The following is an entry in ClinVar:

ClinVar aggregate classification (germline): Uncertain significance (1 of 4 stars; one submission).

Conditions:
Intellectual disability. Also called: Intellectual functioning disability; Intellectual developmental disorder; intellectual disabilities. Identifiers: MedGen C3714756, MeSH D008607, MONDO:0001071, HP:0001249.

Submission:

Labcorp Genetics (formerly Invitae), Labcorp
Classification: Uncertain significance for Intellectual disability. Last evaluated: 2020-10-27. Review status: criteria provided, single submitter. Criteria: Invitae Variant Classification Sherloc (09022015). Collection method: clinical testing. Allele origin: germline.
Comment: This sequence change replaces isoleucine with valine at codon 411 of the GABRB2 protein (p.Ile411Val). The isoleucine residue is highly conserved and there is a small physicochemical difference between isoleucine and valine. In summary, the available evidence is currently insufficient to determine the role of this variant in disease. Therefore, it has been classified as a Variant of Uncertain Significance. Algorithms developed to predict the effect of sequence changes on RNA splicing suggest that this variant may create or strengthen a splice site, but this prediction has not been confirmed by published transcriptional studies. Advanced modeling of protein sequence and biophysical properties (such as structural, functional, and spatial information, amino acid conservation, physicochemical variation, residue mobility, and thermodynamic stability) performed at Invitae indicates that this missense variant is not expected to disrupt GABRB2 protein function. This variant has not been reported in the literature in individuals with GABRB2-related conditions. This variant is not present in population databases (ExAC no frequency).

NM_001371727.1(GABRB2):c.1231A>G (p.Ile411Val)

Gene: GABRB2 (gamma-aminobutyric acid type A receptor subunit beta2; minus strand). Cytogenetic location: 5q34.
Variant type: single nucleotide variant.
Coding change: c.1231A>G on transcript NM_001371727.1 (MANE Select); coding-DNA position 1231, A replaced by G.
Protein change: p.Ile411Val; replaces isoleucine 411 with valine.
Molecular consequence: missense variant.
Genome position (GRCh38, 1-based): chr5:161,294,389, T>C on the plus strand (A>G on the coding strand, the complement: GABRB2 is on the minus strand). VCF-style: chr5-161294389-T-C. GRCh37 (hg19) VCF-style: chr5-160721396-T-C.
Other names: c.1117A>G, p.Ile373Val (NM_000813.3); c.1231A>G, p.Ile411Val (NM_021911.3); short protein forms I373V, I411V.
Identifiers: ClinVar variation 1059234 (VCV001059234.9), dbSNP rs2113333920, ClinGen allele CA362173583.